The following is an entry in ClinVar:

ClinVar aggregate classification (germline): Uncertain significance (1 of 4 stars; one submission).

Conditions:
Inborn genetic diseases. Identifiers: MedGen C0950123, MeSH D030342.

gnomAD v4.1: 1 of 1,613,772 alleles (0.000062%); highest among the groups gnomAD compares: East Asian, 0.0022%; no homozygotes.

Submission:

Ambry Genetics
Classification: Uncertain significance for Inborn genetic diseases. Last evaluated: 2024-11-22. Review status: criteria provided, single submitter. Criteria: Ambry Variant Classification Scheme 2023. Collection method: clinical testing. Allele origin: germline.
Comment: The p.L1038F variant (also known as c.3112C>T), located in coding exon 1 of the SAMD9L gene, results from a C to T substitution at nucleotide position 3112. The leucine at codon 1038 is replaced by phenylalanine, an amino acid with highly similar properties. This amino acid position is conserved. In addition, this alteration is predicted to be tolerated by in silico analysis. Based on the available evidence, the clinical significance of this variant remains unclear.

NM_152703.5(SAMD9L):c.3112C>T (p.Leu1038Phe)

Gene: SAMD9L (sterile alpha motif domain containing 9 like; minus strand). Cytogenetic location: 7q21.2.
Variant type: single nucleotide variant.
Coding change: c.3112C>T on transcript NM_152703.5 (MANE Select); coding-DNA position 3112, C replaced by T.
Protein change: p.Leu1038Phe; replaces leucine 1038 with phenylalanine.
Molecular consequence: missense variant.
Genome position (GRCh38, 1-based): chr7:93,132,860, G>A on the plus strand (C>T on the coding strand, the complement: SAMD9L is on the minus strand). VCF-style: chr7-93132860-G-A. GRCh37 (hg19) VCF-style: chr7-92762173-G-A.
Other names: c.3112C>T, p.Leu1038Phe (NM_001303496.3, NM_001303497.3, NM_001303498.3 and 5 more transcripts); short protein forms L1038F.
Identifiers: ClinVar variation 3437162 (VCV003437162.1).